The following is an entry in ClinVar:

NM_001374736.1(DST):c.167G>A (p.Arg56His)

Gene: DST (dystonin; minus strand). Cytogenetic location: 6p12.1.
Variant type: single nucleotide variant.
Coding change: c.167G>A on transcript NM_001374736.1 (MANE Select); coding-DNA position 167, G replaced by A.
Protein change: p.Arg56His; replaces arginine 56 with histidine.
Molecular consequence: missense variant.
Genome position (GRCh38, 1-based): chr6:56,954,421, C>T on the plus strand (G>A on the coding strand, the complement: DST is on the minus strand). VCF-style: chr6-56954421-C-T. GRCh37 (hg19) VCF-style: chr6-56819219-C-T.
Other names: p.Arg56His; c.167G>A (NM_001144769.3); c.167G>A, p.Arg56His (NM_001144769.5, NM_001374722.1, NM_001374734.1); short protein forms R56H.
Identifiers: ClinVar variation 1777878 (VCV001777878.3), dbSNP rs1037693066, ClinGen allele CA139725434.

ClinVar aggregate classification (germline): Uncertain significance. Review status: criteria provided, multiple submitters, no conflicts (2 of 4 stars). 2 submissions from 2 submitters: Uncertain significance (2). Last evaluated 2025-06-05.

Conditions:
Inborn genetic diseases. Identifiers: MedGen C0950123, MeSH D030342.

Allele frequency attached by ClinVar (database versions not stated): gnomAD 0.00004; gnomAD exomes 0.00005; TOPMed 0.00005.
gnomAD v4.1: 72 of 1,366,810 alleles (0.0053%); highest among the groups gnomAD compares: Non-Finnish European, 0.0068%; no homozygotes.

Submissions (2):

Mayo Clinic Laboratories, Mayo Clinic
Classification: Uncertain significance. Last evaluated: 2025-06-05. Review status: criteria provided, single submitter. Criteria: ACMG Guidelines, 2015. Collection method: clinical testing. Allele origin: germline. Observed: 2 variant alleles.
Comment: PM2_supporting

Ambry Genetics
Classification: Uncertain significance for Inborn genetic diseases. Last evaluated: 2020-02-24. Review status: criteria provided, single submitter. Criteria: Ambry Variant Classification Scheme 2023. Collection method: clinical testing. Allele origin: germline.
Comment: The p.R56H variant (also known as c.167G>A), located in coding exon 1 of the DST gene, results from a G to A substitution at nucleotide position 167. The arginine at codon 56 is replaced by histidine, an amino acid with highly similar properties. This amino acid position is highly conserved in available vertebrate species. In addition, this alteration is predicted to be deleterious by in silico analysis. Since supporting evidence is limited at this time, the clinical significance of this alteration remains unclear.